The following is an entry in ClinVar:

ClinVar aggregate classification (germline): Conflicting classifications of pathogenicity. Review status: criteria provided, conflicting classifications (1 of 4 stars). 3 submissions from 3 submitters: Uncertain significance (2); Likely benign (1). Last evaluated 2025-03-24.

Conditions:
Severe early-onset pulmonary alveolar proteinosis due to MARS deficiency. Also called: PULMONARY ALVEOLAR PROTEINOSIS, REUNION ISLAND; Interstitial lung and liver disease. Identifiers: Orphanet 440427, MedGen C4225400, MONDO:0014206, OMIM 615486.
Charcot-Marie-Tooth disease axonal type 2U. Also called: CHARCOT-MARIE-TOOTH NEUROPATHY, TYPE 2U; CHARCOT-MARIE-TOOTH DISEASE, AXONAL, AUTOSOMAL DOMINANT, TYPE 2U. Identifiers: Orphanet 397735, MedGen C4084821, MONDO:0014566, OMIM 616280.

Submissions (3):

Labcorp Genetics (formerly Invitae), Labcorp
Classification: Uncertain significance for Charcot-Marie-Tooth disease axonal type 2U; Severe early-onset pulmonary alveolar proteinosis due to MARS deficiency. Last evaluated: 2025-03-24. Review status: criteria provided, single submitter. Criteria: Invitae Variant Classification Sherloc (09022015). Collection method: clinical testing. Allele origin: germline.
Comment: This sequence change creates a premature translational stop signal (p.Leu71Cysfs*33) in the MARS gene. It is expected to result in an absent or disrupted protein product. However, the current clinical and genetic evidence is not sufficient to establish whether loss-of-function variants in MARS cause disease. The frequency data for this variant in the population databases is considered unreliable, as metrics indicate poor data quality at this position in the gnomAD database. This variant has not been reported in the literature in individuals affected with MARS-related conditions. ClinVar contains an entry for this variant (Variation ID: 1163539). In summary, the available evidence is currently insufficient to determine the role of this variant in disease. Therefore, it has been classified as a Variant of Uncertain Significance.

Ambry Genetics
Classification: Likely benign. Last evaluated: 2020-08-11. Review status: criteria provided, single submitter. Criteria: Ambry Variant Classification Scheme 2023. Collection method: clinical testing. Allele origin: germline.

Mayo Clinic Laboratories, Mayo Clinic
Classification: Uncertain significance. Last evaluated: 2019-12-16. Review status: criteria provided, single submitter. Criteria: ACMG Guidelines, 2015. Collection method: clinical testing. Allele origin: germline. Observed: 1 variant allele.

NM_004990.4(MARS1):c.212del (p.Leu71fs)

Gene: MARS1 (methionyl-tRNA synthetase 1; plus strand). Cytogenetic location: 12q13.3.
Variant type: Deletion.
Coding change: c.212del on transcript NM_004990.4 (MANE Select); coding-DNA position 212, one base deleted (T; older notation c.212delT).
Protein change: p.Leu71fs; shifts the reading frame from leucine 71.
Molecular consequence: frameshift variant.
Genome position (GRCh38, 1-based): chr12:57,489,278, T deleted; the last of 9 consecutive T bases (chr12:57,489,270-57,489,278); deleting any one gives the same sequence. VCF-style (leftmost placement, unchanged base first): chr12-57489269-AT-A. GRCh37 (hg19) VCF-style: chr12-57883052-AT-A.
Other names: short protein forms L71fs.
Identifiers: ClinVar variation 1163539 (VCV001163539.11), dbSNP rs751080704, ClinGen allele CA6650096.